The following is an entry in ClinVar:

NM_000169.3(GLA):c.994_995delinsGA (p.Arg332Glu)

Genes: GLA (galactosidase alpha; minus strand), RPL36A-HNRNPH2 (RPL36A-HNRNPH2 readthrough; plus strand). Cytogenetic location: Xq22.1.
Variant type: Indel.
Coding change: c.994_995delinsGA on transcript NM_000169.3 (MANE Select); coding-DNA positions 994 to 995, AG replaced by GA.
Protein change: p.Arg332Glu; replaces arginine 332 with glutamic acid.
Molecular consequence: missense variant. On other transcripts: non-coding transcript variant (3), intron variant (2).
Genome position (GRCh38, 1-based): chrX:101,398,374-101,398,375, CT replaced by TC on the plus strand (AG replaced by GA on the coding strand, the reverse complement: GLA is on the minus strand). VCF-style: chrX-101398374-CT-TC. GRCh37 (hg19) VCF-style: chrX-100653362-CT-TC.
Other names: c.994_995delAGinsGA, p.Arg332Glu (NM_000169.2); c.1117_1118delinsGA, p.Arg373Glu (NM_001406747.1); c.994_995delinsGA, p.Arg332Glu (NM_001406748.1); c.300+2917_300+2918delinsTC (NM_001199973.2); c.177+6552_177+6553delinsTC (NM_001199974.2); short protein forms R332E, R373E.
Identifiers: ClinVar variation 373666 (VCV000373666.16), dbSNP rs1057518537, ClinGen allele CA16043256.

ClinVar aggregate classification (germline): Uncertain significance. Review status: criteria provided, multiple submitters, no conflicts (2 of 4 stars). 6 submissions from 6 submitters: Uncertain significance (6). Last evaluated 2024-02-25.

Conditions:
Fabry disease. Also called: ALPHA-GALACTOSIDASE A DEFICIENCY; ANDERSON-FABRY DISEASE; CERAMIDE TRIHEXOSIDASE DEFICIENCY; GLA DEFICIENCY; HEREDITARY DYSTOPIC LIPIDOSIS; Fabry's disease. Identifiers: Orphanet 324, MedGen C0002986, MONDO:0010526, OMIM 301500, HP:0001071. Disease mechanism: loss of function, Fabry disease is due to inactivating mutations in the X-linked GLA gene resulting in deficiency of the enzyme Alpha Galactosidase-A..
Cardiovascular phenotype. Identifiers: MedGen CN230736.

Submissions (6):

Color Diagnostics, LLC DBA Color Health
Classification: Uncertain significance for Fabry disease. Last evaluated: 2024-02-25. Review status: criteria provided, single submitter. Criteria: ACMG Guidelines, 2015. Collection method: clinical testing. Allele origin: germline.
Comment: This missense variant replaces arginine with glutamic acid at codon 332 of the GLA protein. To our knowledge, functional studies have not been reported for this variant. This variant has not been reported in individuals affected with GLA-related disorders in the literature. This variant has not been identified in the general population by the Genome Aggregation Database (gnomAD). The available evidence is insufficient to determine the role of this variant in disease conclusively. Therefore, this variant is classified as a Variant of Uncertain Significance.

Revvity Omics, Revvity
Classification: Uncertain significance. Last evaluated: 2023-11-14. Review status: criteria provided, single submitter. Criteria: ACMG Guidelines, 2015. Collection method: clinical testing. Allele origin: germline.

Ambry Genetics
Classification: Uncertain significance for Cardiovascular phenotype. Last evaluated: 2023-04-25. Review status: criteria provided, single submitter. Criteria: Ambry Variant Classification Scheme 2023. Collection method: clinical testing. Allele origin: germline.
Comment: The c.994_995delAGinsGA variant (also known as p.R322E), located in coding exon 6 of the GLA gene, results from an in-frame deletion of AG and insertion of GA at nucleotide positions 994 to 995. This results in the substitution of the arginine residue for a glutamic acid residue at codon 332, an amino acid with similar properties. A variant, referred to as Arg332Glu was detected in two cases from a Fabry disease newborn screening cohort who were not indicated as symptomatic; however, additional details were limited (Viall S et al. Am J Med Genet C Semin Med Genet. 2022 Jun;190(2):206-214). This amino acid position is well conserved in available vertebrate species. In addition, this alteration is predicted to be neutral by in silico analysis (Choi Y et al. PLoS ONE. 2012; 7(10):e46688). Since supporting evidence is limited at this time, the clinical significance of this alteration remains unclear.

Labcorp Genetics (formerly Invitae), Labcorp
Classification: Uncertain significance for Fabry disease. Last evaluated: 2022-10-18. Review status: criteria provided, single submitter. Criteria: Invitae Variant Classification Sherloc (09022015). Collection method: clinical testing. Allele origin: germline.
Comment: This sequence change replaces arginine, which is basic and polar, with glutamic acid, which is acidic and polar, at codon 332 of the GLA protein (p.Arg332Glu). This variant is present in population databases (no rsID available, gnomAD 0.2%). This variant has not been reported in the literature in individuals affected with GLA-related conditions. ClinVar contains an entry for this variant (Variation ID: 373666). Algorithms developed to predict the effect of missense changes on protein structure and function are either unavailable or do not agree on the potential impact of this missense change (SIFT: "Not Available"; PolyPhen-2: "Benign"; Align-GVGD: "Not Available"). In summary, the available evidence is currently insufficient to determine the role of this variant in disease. Therefore, it has been classified as a Variant of Uncertain Significance.

Genome-Nilou Lab
Classification: Uncertain significance for Fabry disease. Last evaluated: 2021-07-15. Review status: criteria provided, single submitter. Criteria: ACMG Guidelines, 2015. Collection method: clinical testing. Allele origin: germline. Affected: no.

GeneDx
Classification: Uncertain significance. Last evaluated: 2016-11-28. Review status: criteria provided, single submitter. Criteria: GeneDx Variant Classification (06012015). Collection method: clinical testing. Allele origin: germline. Affected: yes.
Comment: A variant of uncertain significance has been identified in the GLA gene. The c.994_995delAGinsGA variant has not been published as a pathogenic variant, nor has it been reported as a benign variant to our knowledge. The c.994_995delAGinsGA variant was not observed in approximately 6,500 individuals of European and African American ancestry in the NHLBI Exome Sequencing Project, indicating it is not a common benign variant in these populations. The c.994_995delAGinsGA variant results in a non-conservative amino acid substitution of an Arginine residue for a Glutamic acid residue (R322E), which is likely to impact secondary protein structure as these residues differ in polarity, charge, size and/or other properties. However, this substitution occurs at a position that is only conserved through mammals and in silico analysis predicts this variant likely does not alter the protein structure/function.Therefore, based on the currently available information, it is unclear whether this variant is pathogenic or rare benign.

Literature cited by the submitters: PubMed 36156392 (cited by Ambry Genetics).